The following is an entry in ClinVar:

NM_000038.6(APC):c.4645C>A (p.Gln1549Lys)

Gene: APC (APC regulator of Wnt signaling pathway; plus strand). Cytogenetic location: 5q22.2.
Variant type: single nucleotide variant.
Coding change: c.4645C>A on transcript NM_000038.6 (MANE Select); coding-DNA position 4645, C replaced by A.
Protein change: p.Gln1549Lys; replaces glutamine 1549 with lysine.
Molecular consequence: missense variant.
Genome position (GRCh38, 1-based): chr5:112,840,239, C>A. VCF-style: chr5-112840239-C-A. GRCh37 (hg19) VCF-style: chr5-112175936-C-A.
Other names: c.4645C>A, p.Gln1549Lys (NM_001127510.3, NM_001354895.2); c.4591C>A, p.Gln1531Lys (NM_001127511.3); c.4699C>A, p.Gln1567Lys (NM_001354896.2); c.4675C>A, p.Gln1559Lys (NM_001354897.2); c.4570C>A, p.Gln1524Lys (NM_001354898.2); c.4561C>A, p.Gln1521Lys (NM_001354899.2); c.4522C>A, p.Gln1508Lys (NM_001354900.2); c.4468C>A, p.Gln1490Lys (NM_001354901.2); and 5 more; short protein forms Q1458K, Q1508K, Q1549K, Q1490K, Q1531K, Q1559K, Q1389K, Q1524K.
Identifiers: ClinVar variation 1043399 (VCV001043399.10), dbSNP rs863225357, ClinGen allele CA16031509.

ClinVar aggregate classification (germline): Uncertain significance (1 of 4 stars; one submission).

Conditions:
Familial adenomatous polyposis 1 (FAP1). Also called: FAMILIAL ADENOMATOUS POLYPOSIS 1, ATTENUATED; POLYPOSIS, ADENOMATOUS INTESTINAL. Identifiers: MedGen C2713442, MONDO:0021056, OMIM 175100. Disease mechanism: loss of function.

Submission:

Labcorp Genetics (formerly Invitae), Labcorp
Classification: Uncertain significance for Familial adenomatous polyposis 1. Last evaluated: 2024-09-16. Review status: criteria provided, single submitter. Criteria: Invitae Variant Classification Sherloc (09022015). Collection method: clinical testing. Allele origin: germline.
Comment: This sequence change replaces glutamine, which is neutral and polar, with lysine, which is basic and polar, at codon 1549 of the APC protein (p.Gln1549Lys). This variant is not present in population databases (gnomAD no frequency). This variant has not been reported in the literature in individuals affected with APC-related conditions. ClinVar contains an entry for this variant (Variation ID: 1043399). Invitae Evidence Modeling of protein sequence and biophysical properties (such as structural, functional, and spatial information, amino acid conservation, physicochemical variation, residue mobility, and thermodynamic stability) indicates that this missense variant is not expected to disrupt APC protein function with a negative predictive value of 95%. In summary, the available evidence is currently insufficient to determine the role of this variant in disease. Therefore, it has been classified as a Variant of Uncertain Significance.